The following is an entry in ClinVar:

ClinVar aggregate classification (germline): Pathogenic/Likely pathogenic. Review status: criteria provided, multiple submitters, no conflicts (2 of 4 stars). 2 submissions from 2 submitters: Pathogenic (1); Likely pathogenic (1). Last evaluated 2024-03-04.

Conditions:
DICER1-related tumor predisposition. Also called: DICER1 syndrome; DICER1-related pleuropulmonary blastoma cancer predisposition syndrome. Identifiers: Orphanet 284343, MedGen C3839822, MONDO:0100216.

Submissions (2):

Labcorp Genetics (formerly Invitae), Labcorp
Classification: Pathogenic for DICER1-related tumor predisposition. Last evaluated: 2024-03-04. Review status: criteria provided, single submitter. Criteria: Invitae Variant Classification Sherloc (09022015). Collection method: clinical testing. Allele origin: germline.
Comment: This sequence change creates a premature translational stop signal (p.Gln841*) in the DICER1 gene. It is expected to result in an absent or disrupted protein product. Loss-of-function variants in DICER1 are known to be pathogenic (PMID: 19556464, 21266384). This variant is not present in population databases (gnomAD no frequency). This variant has not been reported in the literature in individuals affected with DICER1-related conditions. Studies have shown that this premature translational stop signal is associated with inconclusive levels of altered splicing (Invitae). For these reasons, this variant has been classified as Pathogenic.

Institute for Genomic Medicine (IGM) Clinical Laboratory, Nationwide Children's Hospital
Classification: Likely pathogenic for DICER1-related tumor predisposition. Last evaluated: 2023-12-11. Review status: criteria provided, single submitter. Criteria: ACMG Guidelines, 2015. Collection method: clinical testing. Allele origin: germline.
Comment: This variant is predicted to result in loss of function through nonsense-mediated decay of the encoded transcript or premature truncation of the encoded protein in a gene in which loss of function is a known mechanism of disease (ACMG/AMP: PVS1; PMIDs:19556464, 21266384). This variant is absent from or present at an exceedingly low frequency in gnomAD, a large-scale control population database (ACMG/AMP: PM2).

Literature cited by the submitters: PubMed 19556464 (cited by Labcorp Genetics (formerly Invitae), Labcorp and Institute for Genomic Medicine (IGM) Clinical Laboratory, Nationwide Children's Hospital); PubMed 21266384 (cited by Labcorp Genetics (formerly Invitae), Labcorp and Institute for Genomic Medicine (IGM) Clinical Laboratory, Nationwide Children's Hospital).

NM_177438.3(DICER1):c.2521C>T (p.Gln841Ter)

Gene: DICER1 (dicer 1, ribonuclease III; minus strand). Cytogenetic location: 14q32.13.
Variant type: single nucleotide variant.
Coding change: c.2521C>T on transcript NM_177438.3 (MANE Select); coding-DNA position 2521, C replaced by T.
Protein change: p.Gln841Ter; replaces glutamine 841 with a stop codon.
Molecular consequence: nonsense. On other transcripts: non-coding transcript variant (6).
Genome position (GRCh38, 1-based): chr14:95,108,009, G>A on the plus strand (C>T on the coding strand, the complement: DICER1 is on the minus strand). VCF-style: chr14-95108009-G-A. GRCh37 (hg19) VCF-style: chr14-95574346-G-A.
Other names: c.2521C>T, p.Gln841Ter (NM_001395678.1, NM_001395679.1, NM_001395680.1 and 13 more transcripts); c.2239C>T, p.Gln747Ter (NM_001395686.1); c.2116C>T, p.Gln706Ter (NM_001395687.1, NM_001395688.1, NM_001395689.1 and 2 more transcripts); c.1954C>T, p.Gln652Ter (NM_001395691.1); c.838C>T, p.Gln280Ter (NM_001395697.1); short protein forms Q280*, Q747*, Q652*, Q706*, Q841*.
Identifiers: ClinVar variation 2704057 (VCV002704057.4), dbSNP rs2542841694, ClinGen allele CA390881850.